The following is an entry in ClinVar:

NM_001371596.2(MFSD8):c.590G>T (p.Gly197Val)

Gene: MFSD8 (major facilitator superfamily domain containing 8; minus strand). Cytogenetic location: 4q28.2.
Variant type: single nucleotide variant.
Coding change: c.590G>T on transcript NM_001371596.2 (MANE Select); coding-DNA position 590, G replaced by T.
Protein change: p.Gly197Val; replaces glycine 197 with valine.
Molecular consequence: missense variant. On other transcripts: intron variant (5).
Genome position (GRCh38, 1-based): chr4:127,939,961, C>A on the plus strand (G>T on the coding strand, the complement: MFSD8 is on the minus strand). VCF-style: chr4-127939961-C-A. GRCh37 (hg19) VCF-style: chr4-128861116-C-A.
Other names: p.G197V:GGT>GTT; c.455G>T, p.Gly152Val (NM_001371590.2); c.590G>T, p.Gly197Val (NM_001371591.2, NM_152778.4); c.596G>T, p.Gly199Val (NM_001371592.2); c.476G>T, p.Gly159Val (NM_001371593.2, NM_001410766.1); c.419-1125G>T (NM_001371595.1); c.304+3791G>T (NM_001410765.1); c.439+3791G>T (NM_001363521.3); and 2 more; short protein forms G197V, G152V, G159V, G199V.
Identifiers: ClinVar variation 206151 (VCV000206151.4), dbSNP rs28544073, ClinGen allele CA315964.
Genomic context (GRCh38, chr4:127,939,961, plus strand): 5'-CTAAGTAAAACTGGTGTTGTATACATGTTTATCTGCAGTTTAATCACATCCCATGTCACA[C>A]CTTTTTCTCCAAGGAATGTAAAACAAGTCTGAAAAACTTATTAAGATAAAATTTTCACAG-3'
Protein context (NP_001358525.1, residues 187-207): QTCFTFLGEK[Gly197Val]VTWDVIKLQI

ClinVar aggregate classification (germline): Uncertain significance (1 of 4 stars; one submission).

gnomAD v4.1: 2 of 1,613,456 alleles (0.00012%); highest among the groups gnomAD compares: East Asian, 0.0022%; no homozygotes.

Submission:

GeneDx
Classification: Uncertain significance. Last evaluated: 2014-07-07. Review status: criteria provided, single submitter. Criteria: GeneDx Variant Classification (06012015). Collection method: clinical testing. Allele origin: germline. Affected: yes.
Comment: p.Gly197Val (GGT>GTT): c.590 G>T in exon 7 of the MFSD8 gene (NM_152778.2)A variant of unknown significance has been identified in the MFSD8 gene. The G197V variant has not been published as a mutation, nor has it been reported as a benign polymorphism to our knowledge. It was not observed in approximately 6,500 individuals of European and African American ancestry in the NHLBI Exome Sequencing Project, indicating it is not a common benign variant in these populations. This substitution alters a conserved position in the extracellular loop between the fifth and sixth transmembrane domains of the MFSD8 protein (Kousi et al., 2012). In silico analysis predicts this variant is probably damaging to the protein structure/function. However, the G197V variant is a conservative amino acid substitution, which is not likely to impact secondary protein structure as these residues share similar properties, and missense mutations in nearby residues have not been reported in association with neuronal ceroid lipofuscinosis. Therefore, based on the currently available information, it is unclear whether this variant is a pathogenic mutation or a rare benign variant. The variant is found in INFANT-EPI panel(s).